The following is an entry in ClinVar:

ClinVar aggregate classification (germline): Conflicting classifications of pathogenicity. Review status: criteria provided, conflicting classifications (1 of 4 stars). 2 submissions from 2 submitters: Uncertain significance (1); Likely benign (1). Last evaluated 2025-11-10.

Conditions:
Pierpont syndrome (PRPTS). Identifiers: Orphanet 487825, MedGen C1865644, MONDO:0011213, OMIM 602342.
Inborn genetic diseases. Identifiers: MedGen C0950123, MeSH D030342.

Allele frequency attached by ClinVar (database versions not stated): gnomAD exomes below 0.00001; TOPMed below 0.00001.
gnomAD v4.1: 1 of 1,587,830 alleles (0.000063%); highest among the groups gnomAD compares: South Asian, 0.0012%; no homozygotes.

Submissions (2):

Labcorp Genetics (formerly Invitae), Labcorp
Classification: Uncertain significance for Pierpont syndrome. Last evaluated: 2025-11-10. Review status: criteria provided, single submitter. Criteria: Invitae Variant Classification Sherloc (09022015). Collection method: clinical testing. Allele origin: germline.
Comment: This sequence change replaces asparagine, which is neutral and polar, with serine, which is neutral and polar, at codon 382 of the TBL1XR1 protein (p.Asn382Ser). This variant is not present in population databases (gnomAD no frequency). This variant has not been reported in the literature in individuals affected with TBL1XR1-related conditions. ClinVar contains an entry for this variant (Variation ID: 589860). Invitae Evidence Modeling of protein sequence and biophysical properties (such as structural, functional, and spatial information, amino acid conservation, physicochemical variation, residue mobility, and thermodynamic stability) indicates that this missense variant is not expected to disrupt TBL1XR1 protein function with a negative predictive value of 95%. In summary, the available evidence is currently insufficient to determine the role of this variant in disease. Therefore, it has been classified as a Variant of Uncertain Significance.

Ambry Genetics
Classification: Likely benign for Inborn genetic diseases. Last evaluated: 2017-05-01. Review status: criteria provided, single submitter. Criteria: Ambry Variant Classification Scheme 2023. Collection method: clinical testing. Allele origin: germline.

NM_024665.7(TBL1XR1):c.1145A>G (p.Asn382Ser)

Gene: TBL1XR1 (TBL1X/Y related 1; minus strand). Cytogenetic location: 3q26.32.
Variant type: single nucleotide variant.
Coding change: c.1145A>G on transcript NM_024665.7 (MANE Select); coding-DNA position 1145, A replaced by G.
Protein change: p.Asn382Ser; replaces asparagine 382 with serine.
Molecular consequence: missense variant.
Genome position (GRCh38, 1-based): chr3:177,034,303, T>C on the plus strand (A>G on the coding strand, the complement: TBL1XR1 is on the minus strand). VCF-style: chr3-177034303-T-C. GRCh37 (hg19) VCF-style: chr3-176752091-T-C.
Other names: c.1145A>G, p.Asn382Ser (NM_001321193.3, NM_001321194.3, NM_001374327.1 and 2 more transcripts); c.884A>G, p.Asn295Ser (NM_001321195.3, NM_001374330.1); short protein forms N382S, N295S.
Identifiers: ClinVar variation 589860 (VCV000589860.13), dbSNP rs1282634331, ClinGen allele CA355554811.